The following is an entry in ClinVar:

ClinVar aggregate classification (germline): Pathogenic. Review status: reviewed by expert panel (3 of 4 stars). 5 submissions from 5 submitters: Pathogenic (1). 4 of the submissions do not count toward it. Last evaluated 2024-04-06.

Conditions:
HNF4A-related disorder. Also called: HNF4A-related condition.
Monogenic diabetes. Identifiers: Orphanet 183625, MedGen C3888631, MONDO:0015967.

Submissions (5):

ClinGen Monogenic Diabetes Variant Curation Expert Panel
Classification: Pathogenic for Monogenic diabetes. Last evaluated: 2024-04-06. Review status: reviewed by expert panel. Criteria: ClinGen Diabetes ACMG Specifications HNF4A V2.0.0. Collection method: curation. Allele origin: germline. Inheritance: Autosomal dominant inheritance.
Comment: The c.868C>T variant in the hepatic nuclear factor 4-alpha gene, HNF4A, causes an amino acid change of arginine to cysteine at codon 290 (p.(Arg290Cys)) of NM_175914.5. This variant is predicted to be deleterious by computational evidence, with a REVEL score of 0.92, which is greater than the MDEP VCEP threshold of 0.70 (PP3). This variant is absent from gnomAD v2.1.1 (PM2_Supporting). This variant was identified in at least 10 unrelated individuals with non- autoimmune and non-absolute/near-absolute insulin-deficient diabetes (PS4; PMIDs: 32533152, 21683639, internal lab contributors). One of these individuals had a clinical history highly specific for HNF4A-monogenic diabetes (MODY probability calculator result >50%, negative genetic testing for HNF1A, and a family member with the variant with diazoxide-responsive neonatal hyperinsulinemic hypoglycemia) (PP4_Moderate; internal lab contributors). This variant segregated with diabetes, with 20 informative meioses in 8 families (PP1_Strong; internal lab contributors). Another missense variant, c.869G>A p.Arg290His, has been interpreted as pathogenic by the ClinGen MDEP, and p.Arg290Cys has a greater Grantham distance (PM5). In summary, c.868C>T meets the criteria to be classified as Pathogenic for monogenic diabetes. ACMG/AMP criteria applied, as specified by the ClinGen MDEP (specification version 2.0.0, approved 10/11/2023): PP1_Strong, PS4, PP4_Moderate, PM5, PP3, PM2_Supporting.

GeneDx
Classification: Likely pathogenic. Last evaluated: 2026-09-20. Review status: criteria provided, single submitter. Criteria: GeneDx Variant Classification Process June 2021. Collection method: clinical testing. Allele origin: germline. Not counted in ClinVar's aggregate classification.
Comment: Not observed at significant frequency in large population cohorts (gnomAD); In silico analysis supports that this missense variant has a deleterious effect on protein structure/function; In silico analysis suggests this variant may impact gene splicing. In the absence of RNA/functional studies, the actual effect of this sequence change is unknown.; This variant is associated with the following publications: (PMID: 32533152, 23348805, 23803251, 35089870, 27552834, 36613572, 30447144, 36257325, 21683639, 40954556)

PreventionGenetics, part of Exact Sciences
Classification: Pathogenic for HNF4A-related condition. Last evaluated: 2025-04-15. Review status: criteria provided, single submitter. Criteria: ACMG Guidelines, 2015. Collection method: clinical testing. Allele origin: germline. Not counted in ClinVar's aggregate classification.
Comment: The HNF4A c.868C>T variant is predicted to result in the amino acid substitution p.Arg290Cys. This variant has been reported in many individuals with MODY, diabetes, and impaired glucose intolerance, and segregated with disease in multiple families (Kyithar et al. 2011. PubMed ID: 21683639; Colclough et al. 2013. PubMed ID: 23348805; Bacon et al. 2016. PubMed ID: 27552834; Özdemir et al. 2018. PubMed ID: 30447144; Caswell et al. 2020. PubMed ID: 32533152; Mirshahi et al. 2022. PubMed ID: 36257325; Elashi et al. 2022. PubMed ID: 36613572). This variant has not been reported in a large population database (gnomAD), indicating this variant is rare. This variant has been classified as pathogenic by ClinGen Monogenic Diabetes Variant Curation Expert Panel.  An alternate missense change at the same amino acid position (p.Arg290His) has been reported in individuals affected with MODY (Ellard et al. 2006. PubMed ID: 16917892; Zubkova et al. 2019. PubMed ID: 30663027; Supplementary Data 5, Goodrich et al. 2021. PubMed ID: 34108472). In summary, this variant is interpreted as pathogenic.

Labcorp Genetics (formerly Invitae), Labcorp
Classification: Uncertain significance. Last evaluated: 2022-07-01. Review status: criteria provided, single submitter. Criteria: Invitae Variant Classification Sherloc (09022015). Collection method: clinical testing. Allele origin: germline. Not counted in ClinVar's aggregate classification.
Comment: In summary, the available evidence is currently insufficient to determine the role of this variant in disease. Therefore, it has been classified as a Variant of Uncertain Significance. Algorithms developed to predict the effect of sequence changes on RNA splicing suggest that this variant may create or strengthen a splice site. Algorithms developed to predict the effect of missense changes on protein structure and function (SIFT, PolyPhen-2, Align-GVGD) all suggest that this variant is likely to be disruptive. ClinVar contains an entry for this variant (Variation ID: 447524). This missense change has been observed in individual(s) with clinical features of maturity onset diabetes of the young (PMID: 21683639, 30447144). This variant is not present in population databases (gnomAD no frequency). This sequence change replaces arginine, which is basic and polar, with cysteine, which is neutral and slightly polar, at codon 290 of the HNF4A protein (p.Arg290Cys).

Athena Diagnostics
Classification: Likely pathogenic. Last evaluated: 2016-09-30. Review status: criteria provided, single submitter. Criteria: Athena Diagnostics Criteria. Collection method: clinical testing. Allele origin: germline. Not counted in ClinVar's aggregate classification.

Literature cited by the submitters: PubMed 21683639 (cited by Labcorp Genetics (formerly Invitae), Labcorp and Athena Diagnostics); PubMed 30447144 (cited by Labcorp Genetics (formerly Invitae), Labcorp); PubMed 23348805 (cited by Athena Diagnostics); PubMed 27552834 (cited by Athena Diagnostics); PubMed 23803251 (cited by Athena Diagnostics).

NM_175914.5(HNF4A):c.868C>T (p.Arg290Cys)

Gene: HNF4A (hepatocyte nuclear factor 4 alpha; plus strand). Cytogenetic location: 20q13.12.
Variant type: single nucleotide variant.
Coding change: c.868C>T on transcript NM_175914.5 (MANE Select); coding-DNA position 868, C replaced by T.
Protein change: p.Arg290Cys; replaces arginine 290 with cysteine.
Molecular consequence: missense variant.
Genome position (GRCh38, 1-based): chr20:44,424,059, C>T. VCF-style: chr20-44424059-C-T. GRCh37 (hg19) VCF-style: chr20-43052699-C-T.
Other names: NM_175914.5(HNF4A):c.868C>T; p.Arg290Cys; c.934C>T, p.Arg312Cys (NM_000457.6, NM_178849.3, NM_178850.3); c.868C>T, p.Arg290Cys (NM_001030003.3, NM_001030004.3); c.913C>T, p.Arg305Cys (NM_001258355.2); c.859C>T, p.Arg287Cys (NM_001287182.2, NM_001287183.2, NM_001287184.2); c.868C>T (NM_175914.4, NM_175914.3); short protein forms R287C, R290C, R312C, R305C.
Identifiers: ClinVar variation 447524 (VCV000447524.14), dbSNP rs1555817727, ClinGen allele CA409108070.
Genomic context (GRCh38, chr20:44,424,059, plus strand): 5'-CCACCCTCTTCCATTGTAGATGCCAAGGGGCTGAGCGATCCAGGGAAGATCAAGCGGCTG[C>T]GTTCCCAGGTGCAGGTGAGCTTGGAGGACTACATCAACGACCGCCAGTATGACTCGCGTG-3'
Protein context (NP_787110.2, residues 280-300): LSDPGKIKRL[Arg290Cys]SQVQVSLEDY